The following is an entry in ClinVar:

ClinVar aggregate classification (germline): Pathogenic. Review status: criteria provided, multiple submitters, no conflicts (2 of 4 stars). 7 submissions from 7 submitters: Pathogenic (6). 1 of the submissions does not count toward it. Last evaluated 2025-04-08.

Conditions:
Breast-ovarian cancer, familial, susceptibility to, 5 (BROVCA5). Identifiers: MedGen C5830615, MONDO:0957530, OMIM 620442.
Familial cancer of breast. Also called: Hereditary breast cancer; BREAST CANCER, FAMILIAL; hereditary breast carcinoma. Identifiers: Orphanet 227535, MedGen C0346153, MONDO:0016419, OMIM 114480. Disease mechanism: loss of function.

Submissions (7):

Institute of Human Genetics, University of Leipzig Medical Center
Classification: Pathogenic for Breast-ovarian cancer, familial, susceptibility to, 5. Last evaluated: 2025-04-08. Review status: criteria provided, single submitter. Criteria: ACMG Guidelines, 2015. Collection method: clinical testing. Allele origin: unknown. Inheritance: Autosomal dominant inheritance. Affected: yes.
Comment: Criteria applied: PVS1,PM2_SUP,PM5_SUP

CeGaT Center for Human Genetics Tuebingen
Classification: Pathogenic. Last evaluated: 2025-03-01. Review status: criteria provided, single submitter. Criteria: CeGaT Center For Human Genetics Tuebingen Variant Classification Criteria Version 2. Collection method: clinical testing. Allele origin: germline. Affected: yes. Observed: 1 variant allele.
Comment: PALB2: PVS1, PM2, PS4:Supporting

Labcorp Genetics (formerly Invitae), Labcorp
Classification: Pathogenic for Familial cancer of breast. Last evaluated: 2024-02-01. Review status: criteria provided, single submitter. Criteria: Invitae Variant Classification Sherloc (09022015). Collection method: clinical testing. Allele origin: germline.
Comment: This sequence change creates a premature translational stop signal (p.Glu884*) in the PALB2 gene. It is expected to result in an absent or disrupted protein product. Loss-of-function variants in PALB2 are known to be pathogenic (PMID: 17200668, 17200671, 17200672, 24136930, 25099575). This variant is not present in population databases (gnomAD no frequency). This premature translational stop signal has been observed in individual(s) with breast cancer (PMID: 24415441). ClinVar contains an entry for this variant (Variation ID: 530158). RNA analysis performed to evaluate the impact of this premature translational stop signal on mRNA splicing indicates it does not significantly alter splicing (Invitae). For these reasons, this variant has been classified as Pathogenic.

Myriad Genetics, Inc.
Classification: Pathogenic for Familial cancer of breast. Last evaluated: 2023-09-13. Review status: criteria provided, single submitter. Criteria: Myriad Autosomal Dominant, Autosomal Recessive and X-Linked Classification Criteria (2023). Collection method: clinical testing. Allele origin: unknown.
Comment: This variant is considered pathogenic. This variant creates a termination codon and is predicted to result in premature protein truncation.

Quest Diagnostics Nichols Institute San Juan Capistrano
Classification: Pathogenic. Last evaluated: 2019-10-22. Review status: criteria provided, single submitter. Criteria: Quest Diagnostics criteria. Collection method: clinical testing. Allele origin: unknown.
Comment: The variant creates a premature nonsense codon, and is therefore predicted to result in the loss of a functional protein. Found in at least one patient with expected phenotype for this gene, and not found in general population data.

GeneDx
Classification: Pathogenic. Last evaluated: 2018-05-29. Review status: criteria provided, single submitter. Criteria: GeneDx Variant Classification (06012015). Collection method: clinical testing. Allele origin: germline. Affected: yes.
Comment: This variant is denoted PALB2 c.2650G>T at the cDNA level and p.Glu884Ter (E884X) at the protein level. The substitution creates a nonsense variant, which changes a Glutamic Acid to a premature stop codon (GAG>TAG), and is predicted to cause loss of normal protein function through either protein truncation or nonsense-mediated mRNA decay. This variant has been reported in at least one BRCA1/2-negative individual with breast cancer (Fernandes 2014) and is considered pathogenic.

Leiden Open Variation Database
Classification: Pathogenic for Familial cancer of breast. Last evaluated: 2019-05-13. Review status: no assertion criteria provided. Collection method: curation. Allele origin: germline. Affected: yes. Not counted in ClinVar's aggregate classification.
Comment: Curators: Marc Tischkowitz, Arleen D. Auerbach. Submitter to LOVD: Marc Tischkowitz.

Literature cited by the submitters: PubMed 17200668 (cited by Labcorp Genetics (formerly Invitae), Labcorp); PubMed 17200671 (cited by Labcorp Genetics (formerly Invitae), Labcorp); PubMed 17200672 (cited by Labcorp Genetics (formerly Invitae), Labcorp); PubMed 24136930 (cited by Labcorp Genetics (formerly Invitae), Labcorp); PubMed 25099575 (cited by Labcorp Genetics (formerly Invitae), Labcorp); PubMed 24415441 (cited by 3 submitters).

NM_024675.4(PALB2):c.2650G>T (p.Glu884Ter)

Gene: PALB2 (partner and localizer of BRCA2; minus strand). Cytogenetic location: 16p12.2.
Variant type: single nucleotide variant.
Coding change: c.2650G>T on transcript NM_024675.4 (MANE Select); coding-DNA position 2650, G replaced by T.
Protein change: p.Glu884Ter; replaces glutamic acid 884 with a stop codon.
Molecular consequence: nonsense.
Genome position (GRCh38, 1-based): chr16:23,626,334, C>A on the plus strand (G>T on the coding strand, the complement: PALB2 is on the minus strand). VCF-style: chr16-23626334-C-A. GRCh37 (hg19) VCF-style: chr16-23637655-C-A.
Other names: short protein forms E884*.
Identifiers: ClinVar variation 530158 (VCV000530158.20), dbSNP rs1304351755, ClinGen allele CA395122125.